The following is an entry in ClinVar:

NM_000257.4(MYH7):c.5157G>A (p.Gln1719=)

Genes: MHRT (myosin heavy chain associated RNA transcript; plus strand), MYH7 (myosin heavy chain 7; minus strand), LOC126861897 (BRD4-independent group 4 enhancer GRCh37_chr14:23884455-23885654; plus strand). Cytogenetic location: 14q11.2.
Variant type: single nucleotide variant.
Coding change: c.5157G>A on transcript NM_000257.4 (MANE Select); coding-DNA position 5157, G replaced by A.
Protein change: p.Gln1719=; no amino-acid change (glutamine 1719 retained).
Molecular consequence: synonymous variant. On other transcripts: non-coding transcript variant (1).
Genome position (GRCh38, 1-based): chr14:23,415,629, C>T on the plus strand (G>A on the coding strand, the complement: MYH7 is on the minus strand). VCF-style: chr14-23415629-C-T. GRCh37 (hg19) VCF-style: chr14-23884838-C-T.
Identifiers: ClinVar variation 454387 (VCV000454387.8), dbSNP rs769875223, ClinGen allele CA045515.

ClinVar aggregate classification (germline): Uncertain significance. Review status: criteria provided, multiple submitters, no conflicts (2 of 4 stars). 3 submissions from 3 submitters: Uncertain significance (3). Last evaluated 2025-10-07.

Conditions:
Hypertrophic cardiomyopathy 1 (CMH1). Also called: MYH7-Related Familial Hypertrophic Cardiomyopathy; Familial hypertrophic cardiomyopathy 1. Identifiers: MedGen C3495498, MONDO:0008647, OMIM 192600.
Myopathy, myosin storage, autosomal recessive (CMYO7B). Also called: CONGENITAL MYOPATHY 7B, MYOSIN STORAGE, AUTOSOMAL RECESSIVE. Identifiers: Orphanet 636970, MedGen C1850709, MONDO:0009708, OMIM 255160.
Congenital myopathy with fiber type disproportion. Also called: Congenital fiber-type disproportion; Congenital fiber-type disproportion myopathy. Identifiers: Orphanet 2020, MedGen C0546264, MONDO:0009711. Inheritance: all.
Myosin storage myopathy (CMYO7A). Also called: MYOPATHY WITH LYSIS OF TYPE I MYOFIBRILS; MYOPATHY, HYALINE BODY, AUTOSOMAL DOMINANT; MYH7-related late-onset scapuloperoneal muscular dystrophy; Congenital myopathy 7A, myosin storage, autosomal dominant; SCAPULOPERONEAL MUSCULAR DYSTROPHY; SCAPULOPERONEAL SYNDROME, MYOPATHIC TYPE. Identifiers: Orphanet 437572, Orphanet 636965, MedGen C1842160, MONDO:0008409, OMIM 608358.
Dilated cardiomyopathy 1S (CMD1S). Identifiers: Orphanet 154, Orphanet 54260, MedGen C1834481, MONDO:0013262, OMIM 613426.
MYH7-related skeletal myopathy. Also called: Laing distal myopathy; Laing early-onset distal myopathy; Myopathy, distal, 1; MYOPATHY, DISTAL, EARLY-ONSET, AUTOSOMAL DOMINANT; MYOPATHY, LATE DISTAL HEREDITARY. Identifiers: Orphanet 59135, MedGen C4552004, MONDO:0008050, OMIM 160500.
Cardiomyopathy (CMYO). Also called: Cardiomyopathies. Identifiers: Orphanet 167848, MedGen C0878544, MONDO:0004994, HP:0001638. Inheritance: Various modes of inheritance.
Hypertrophic cardiomyopathy. Also called: HYPERTROPHIC MYOCARDIOPATHY. Identifiers: Orphanet 217569, MedGen C0007194, MeSH D002312, MONDO:0005045, HP:0001639.

Allele frequency attached by ClinVar (database versions not stated): gnomAD exomes below 0.00001 and 0.00001; ExAC 0.00001; gnomAD 0.00001.
gnomAD v4.1: 10 of 1,613,644 alleles (0.00062%); highest among the groups gnomAD compares: African/African-American, 0.0013%; no homozygotes.

Submissions (3):

Labcorp Genetics (formerly Invitae), Labcorp
Classification: Uncertain significance for Hypertrophic cardiomyopathy. Last evaluated: 2025-10-07. Review status: criteria provided, single submitter. Criteria: Invitae Variant Classification Sherloc (09022015). Collection method: clinical testing. Allele origin: germline.
Comment: This sequence change affects codon 1719 of the MYH7 mRNA. It is a 'silent' change, meaning that it does not change the encoded amino acid sequence of the MYH7 protein. This variant also falls at the last nucleotide of exon 35, which is part of the consensus splice site for this exon. The frequency data for this variant in the population databases is considered unreliable, as metrics indicate poor data quality at this position in the gnomAD database. This variant has been observed in individual(s) with hypertrophic cardiomyopathy (internal data). ClinVar contains an entry for this variant (Variation ID: 454387). Variants that disrupt the consensus splice site are a relatively common cause of aberrant splicing (PMID: 17576681, 9536098). Algorithms developed to predict the effect of sequence changes on RNA splicing suggest that this variant is not likely to affect RNA splicing. In summary, the available evidence is currently insufficient to determine the role of this variant in disease. Therefore, it has been classified as a Variant of Uncertain Significance.

Color Diagnostics, LLC DBA Color Health
Classification: Uncertain significance for Cardiomyopathy. Last evaluated: 2025-06-23. Review status: criteria provided, single submitter. Criteria: ACMG Guidelines, 2015. Collection method: clinical testing. Allele origin: germline.
Comment: This synonymous variant alters the conserved c.G at the last nucleotide of exon 35 of the MYH7 gene. Splice site prediction tools are inconclusive regarding the impact of this variant on RNA splicing. To our knowledge, RNA studies have not been reported for this variant. This variant has not been reported in individuals affected with MYH7-related disorders in the literature. This variant has been identified in 2/282268 chromosomes in the general population by the Genome Aggregation Database (gnomAD). The available evidence is insufficient to determine the role of this variant in disease conclusively. Therefore, this variant is classified as a Variant of Uncertain Significance.

Fulgent Genetics
Classification: Uncertain significance for MYH7-related skeletal myopathy; Myosin storage myopathy; Hypertrophic cardiomyopathy 1; Myopathy, myosin storage, autosomal recessive; Congenital myopathy 4A, autosomal dominant; Dilated cardiomyopathy 1S. Last evaluated: 2021-09-13. Review status: criteria provided, single submitter. Criteria: ACMG Guidelines, 2015. Collection method: clinical testing. Allele origin: unknown.

Literature cited by the submitters: PubMed 17576681 (cited by Labcorp Genetics (formerly Invitae), Labcorp); PubMed 9536098 (cited by Labcorp Genetics (formerly Invitae), Labcorp).